The following is an entry in ClinVar:

NM_014014.5(SNRNP200):c.3632A>G (p.Asp1211Gly)

Gene: SNRNP200 (small nuclear ribonucleoprotein U5 subunit 200; minus strand). Cytogenetic location: 2q11.2.
Variant type: single nucleotide variant.
Coding change: c.3632A>G on transcript NM_014014.5 (MANE Select); coding-DNA position 3632, A replaced by G.
Protein change: p.Asp1211Gly; replaces aspartic acid 1211 with glycine.
Molecular consequence: missense variant.
Genome position (GRCh38, 1-based): chr2:96,287,013, T>C on the plus strand (A>G on the coding strand, the complement: SNRNP200 is on the minus strand). VCF-style: chr2-96287013-T-C. GRCh37 (hg19) VCF-style: chr2-96952751-T-C.
Other names: short protein forms D1211G.
Identifiers: ClinVar variation 337547 (VCV000337547.14), dbSNP rs886056460, ClinGen allele CA10614657.

ClinVar aggregate classification (germline): Uncertain significance. Review status: criteria provided, multiple submitters, no conflicts (2 of 4 stars). 2 submissions from 2 submitters: Uncertain significance (2). Last evaluated 2020-02-18.

Conditions:
Retinitis pigmentosa (RP). Identifiers: Orphanet 791, MedGen C0035334, MeSH D012174, MONDO:0019200, OMIM 268000. Inheritance: Autosomal dominant, autosomal recessive and X linked inheritance.

Allele frequency attached by ClinVar (database versions not stated): gnomAD exomes below 0.00001.
gnomAD v4.1: 1 of 1,614,174 alleles (0.000062%); highest among the groups gnomAD compares: South Asian, 0.0011%; no homozygotes.

Submissions (2):

Labcorp Genetics (formerly Invitae), Labcorp
Classification: Uncertain significance. Last evaluated: 2020-02-18. Review status: criteria provided, single submitter. Criteria: Invitae Variant Classification Sherloc (09022015). Collection method: clinical testing. Allele origin: germline.
Comment: This sequence change replaces aspartic acid with glycine at codon 1211 of the SNRNP200 protein (p.Asp1211Gly). The aspartic acid residue is highly conserved and there is a moderate physicochemical difference between aspartic acid and glycine. This variant is not present in population databases (ExAC no frequency). This variant has not been reported in the literature in individuals with SNRNP200-related conditions. ClinVar contains an entry for this variant (Variation ID: 337547). Algorithms developed to predict the effect of missense changes on protein structure and function are either unavailable or do not agree on the potential impact of this missense change (SIFT: "Deleterious"; PolyPhen-2: "Probably Damaging"; Align-GVGD: "Class C0"). In summary, the available evidence is currently insufficient to determine the role of this variant in disease. Therefore, it has been classified as a Variant of Uncertain Significance.

Illumina Laboratory Services, Illumina
Classification: Uncertain significance for Retinitis pigmentosa. Last evaluated: 2018-01-13. Review status: criteria provided, single submitter. Criteria: ICSL Variant Classification Criteria 13 December 2019. Collection method: clinical testing. Allele origin: germline.